The following is an entry in ClinVar:

NM_052844.4(DYNC2I2):c.1339C>T (p.Arg447Trp)

Gene: DYNC2I2 (dynein 2 intermediate chain 2; minus strand). Cytogenetic location: 9q34.11.
Variant type: single nucleotide variant.
Coding change: c.1339C>T on transcript NM_052844.4 (MANE Select); coding-DNA position 1339, C replaced by T.
Protein change: p.Arg447Trp; replaces arginine 447 with tryptophan.
Molecular consequence: missense variant.
Genome position (GRCh38, 1-based): chr9:128,634,259, G>A on the plus strand (C>T on the coding strand, the complement: DYNC2I2 is on the minus strand). VCF-style: chr9-128634259-G-A. GRCh37 (hg19) VCF-style: chr9-131396538-G-A.
Other names: short protein forms R447W.
Identifiers: ClinVar variation 97039 (VCV000097039.9), dbSNP rs587777093, ClinGen allele CA210600.

ClinVar aggregate classification (germline): Pathogenic/Likely pathogenic. Review status: criteria provided, multiple submitters, no conflicts (2 of 4 stars). 3 submissions from 3 submitters: Pathogenic (1); Likely pathogenic (1). 1 of the submissions does not count toward it. Last evaluated 2025-06-04.

Conditions:
Short-rib thoracic dysplasia 11 with or without polydactyly (SRTD11). Also called: SHORT-RIB THORACIC DYSPLASIA 11 WITHOUT POLYDACTYLY. Identifiers: Orphanet 474, Orphanet 93271, MedGen C3810200, MONDO:0014287, OMIM 615633.

Allele frequency attached by ClinVar (database versions not stated): gnomAD 0.00003 and 0.00004; gnomAD exomes 0.00001 and 0.00002; ExAC 0.00002; TOPMed 0.00004.
gnomAD v4.1: 35 of 1,613,700 alleles (0.0022%); highest among the groups gnomAD compares: African/African-American, 0.0027%; no homozygotes.

Submissions (3):

Labcorp Genetics (formerly Invitae), Labcorp
Classification: Pathogenic for Short-rib thoracic dysplasia 11 with or without polydactyly. Last evaluated: 2025-06-04. Review status: criteria provided, single submitter. Criteria: Invitae Variant Classification Sherloc (09022015). Collection method: clinical testing. Allele origin: germline.
Comment: This sequence change replaces arginine, which is basic and polar, with tryptophan, which is neutral and slightly polar, at codon 447 of the WDR34 protein (p.Arg447Trp). This variant is present in population databases (rs587777093, gnomAD 0.004%). This missense change has been observed in individuals with short-rib thoracic dysplasia (PMID: 24183449, 24183451, 36653407). ClinVar contains an entry for this variant (Variation ID: 97039). An algorithm developed to predict the effect of missense changes on protein structure and function (PolyPhen-2) suggests that this variant is likely to be disruptive. Experimental studies have shown that this missense change affects WDR34 function (PMID: 36268591). This variant disrupts the p.Arg447 amino acid residue in WDR34. Other variant(s) that disrupt this residue have been determined to be pathogenic (PMID: 24183449; internal data). This suggests that this residue is clinically significant, and that variants that disrupt this residue are likely to be disease-causing. For these reasons, this variant has been classified as Pathogenic.

GeneDx
Classification: Likely pathogenic. Last evaluated: 2024-08-29. Review status: criteria provided, single submitter. Criteria: GeneDx Variant Classification Process June 2021. Collection method: clinical testing. Allele origin: germline. Affected: yes.
Comment: Published functional studies suggest a damaging effect on protein stability, localization, and dynein-2 complex interaction (PMID: 36268591); Not observed at significant frequency in large population cohorts (gnomAD); In silico analysis supports that this missense variant has a deleterious effect on protein structure/function; This variant is associated with the following publications: (PMID: 24183449, 24183451, 36653407, 36268591)

OMIM
Classification: Pathogenic for SHORT-RIB THORACIC DYSPLASIA 11 WITH OR WITHOUT POLYDACTYLY. Last evaluated: 2013-11-07. Review status: no assertion criteria provided. Collection method: literature only. Allele origin: germline. Not counted in ClinVar's aggregate classification.

Literature cited by the submitters: PubMed 24183449 (cited by Labcorp Genetics (formerly Invitae), Labcorp and OMIM); PubMed 24183451 (cited by Labcorp Genetics (formerly Invitae), Labcorp and OMIM); PubMed 36653407 (cited by Labcorp Genetics (formerly Invitae), Labcorp); PubMed 36268591 (cited by Labcorp Genetics (formerly Invitae), Labcorp).